The following is an entry in ClinVar:

NM_001009944.3(PKD1):c.4884C>G (p.Val1628=)

Gene: PKD1 (polycystin 1, transient receptor potential channel interacting; minus strand). Cytogenetic location: 16p13.3.
Variant type: single nucleotide variant.
Coding change: c.4884C>G on transcript NM_001009944.3 (MANE Select); coding-DNA position 4884, C replaced by G.
Protein change: p.Val1628=; no amino-acid change (valine 1628 retained).
Molecular consequence: synonymous variant.
Genome position (GRCh38, 1-based): chr16:2,110,283, G>C on the plus strand (C>G on the coding strand, the complement: PKD1 is on the minus strand). VCF-style: chr16-2110283-G-C. GRCh37 (hg19) VCF-style: chr16-2160284-G-C.
Other names: c.4884C>G, p.Val1628= (NM_000296.4).
Identifiers: ClinVar variation 5039086 (VCV005039086.1).

ClinVar aggregate classification (germline): Likely benign (1 of 4 stars; one submission).

gnomAD v4.1: 23 of 1,612,496 alleles (0.0014%); highest among the groups gnomAD compares: East Asian, 0.04%; no homozygotes.

Submission:

CeGaT Center for Human Genetics Tuebingen
Classification: Likely benign. Last evaluated: 2026-07-01. Review status: criteria provided, single submitter. Criteria: CeGaT Center For Human Genetics Tuebingen Variant Classification Criteria Version 2. Collection method: clinical testing. Allele origin: germline. Affected: yes. Observed: 1 variant allele.
Comment: PKD1: BP4, BP7